The following is an entry in ClinVar:

ClinVar aggregate classification (germline): Likely benign (1 of 4 stars; one submission).

gnomAD v4.1: 11 of 1,613,086 alleles (0.00068%); highest among the groups gnomAD compares: South Asian, 0.0099%; no homozygotes.

Submission:

CeGaT Center for Human Genetics Tuebingen
Classification: Likely benign. Last evaluated: 2025-09-01. Review status: criteria provided, single submitter. Criteria: CeGaT Center For Human Genetics Tuebingen Variant Classification Criteria Version 2. Collection method: clinical testing. Allele origin: germline. Affected: yes. Observed: 1 variant allele.
Comment: TTN: BP4, BP7

NM_001267550.2(TTN):c.11312-4252C>T

Gene: TTN (titin; minus strand). Cytogenetic location: 2q31.2.
Variant type: single nucleotide variant.
Coding change: c.11312-4252C>T on transcript NM_001267550.2 (MANE Select); 4252 bases into the intron before coding-DNA position 11312, C replaced by T.
Molecular consequence: intron variant. On other transcripts: synonymous variant (1).
Genome position (GRCh38, 1-based): chr2:178,746,173, G>A on the plus strand (C>T on the coding strand, the complement: TTN is on the minus strand). VCF-style: chr2-178746173-G-A. GRCh37 (hg19) VCF-style: chr2-179610900-G-A.
Other names: c.16227C>T, p.Pro5409= (NM_133379.5); c.10223-4252C>T (NM_003319.4); c.10799-4252C>T (NM_133437.4); c.10598-4252C>T (NM_133432.3); c.10360+6951C>T (NM_133378.4); c.10361-4252C>T (NM_001256850.1).
Identifiers: ClinVar variation 4281104 (VCV004281104.7).